The following is an entry in ClinVar:

ClinVar aggregate classification (germline): Uncertain significance. Review status: criteria provided, multiple submitters, no conflicts (2 of 4 stars). 2 submissions from 2 submitters: Uncertain significance (2). Last evaluated 2026-02-14.

Conditions:
TTN-related disorder. Also called: TTN-related condition; TTN-related disease; TTN-related disorders.

Allele frequency attached by ClinVar (database versions not stated): gnomAD exomes below 0.00001 and 0.00001; gnomAD 0.00002 and 0.00003; TOPMed 0.00002.
gnomAD v4.1: 4 of 1,612,710 alleles (0.00025%); highest among the groups gnomAD compares: African/African-American, 0.004%; no homozygotes.

Submissions (2):

PreventionGenetics, part of Exact Sciences
Classification: Uncertain significance for TTN-related condition. Last evaluated: 2026-02-14. Review status: criteria provided, single submitter. Criteria: ACMG Guidelines, 2015. Collection method: clinical testing. Allele origin: germline.
Comment: The TTN c.1816A>G variant is predicted to result in the amino acid substitution p.Arg606Gly. To our knowledge, this variant has not been reported in the literature. This variant is reported in 0.012% of alleles in individuals of African descent in gnomAD. At this time, the clinical significance of this variant is uncertain due to the absence of conclusive functional and genetic evidence.

Laboratory for Molecular Medicine, Mass General Brigham Personalized Medicine
Classification: Uncertain significance. Last evaluated: 2012-12-06. Review status: criteria provided, single submitter. Criteria: LMM Criteria. Collection method: clinical testing. Allele origin: germline. Observed: 1 variant allele.
Comment: The Arg606Gly variant in TTN has not been reported in the literature nor previou sly identified by our laboratory. This variant has not been identified in large and broad European American and African American populations by the NHLBI Exome Sequencing Project but it remains possible th at this variant is common in other populations. Computational analyses (biochemi cal amino acid properties, conservation, AlignGVGD, PolyPhen2, and SIFT) do not provide strong support for or against an impact to the protein. In summary, addi tional information is needed to full assess the clinical significance of this va riant.

NM_001267550.2(TTN):c.1816A>G (p.Arg606Gly)

Gene: TTN (titin; minus strand). Cytogenetic location: 2q31.2.
Variant type: single nucleotide variant.
Coding change: c.1816A>G on transcript NM_001267550.2 (MANE Select); coding-DNA position 1816, A replaced by G.
Protein change: p.Arg606Gly; replaces arginine 606 with glycine.
Molecular consequence: missense variant.
Genome position (GRCh38, 1-based): chr2:178,790,100, T>C on the plus strand (A>G on the coding strand, the complement: TTN is on the minus strand). VCF-style: chr2-178790100-T-C. GRCh37 (hg19) VCF-style: chr2-179654827-T-C.
Other names: c.1816A>G, p.Arg606Gly (NM_133378.4, NM_001256850.1, NM_133379.5); c.1678A>G, p.Arg560Gly (NM_003319.4, NM_133432.3, NM_133437.4); short protein forms R606G, R560G.
Identifiers: ClinVar variation 46691 (VCV000046691.6), dbSNP rs397517498, ClinGen allele CA138972.